The following is an entry in ClinVar:

NM_003239.5(TGFB3):c.516+1G>A

Gene: TGFB3 (transforming growth factor beta 3; minus strand). Cytogenetic location: 14q24.3.
Variant type: single nucleotide variant.
Coding change: c.516+1G>A on transcript NM_003239.5 (MANE Select); the canonical splice donor site of the intron after coding-DNA position 516, G replaced by A.
Molecular consequence: splice donor variant.
Genome position (GRCh38, 1-based): chr14:75,971,554, C>T on the plus strand (G>A on the coding strand, the complement: TGFB3 is on the minus strand). VCF-style: chr14-75971554-C-T. GRCh37 (hg19) VCF-style: chr14-76437897-C-T.
Other names: c.516+1G>A (NM_001329939.2, NM_001329938.2).
Identifiers: ClinVar variation 3775288 (VCV003775288.1).
Genomic context (GRCh38, chr14:75,971,554, plus strand): 5'-TGATATGGCAAAGGAACCAGCTTTCCCGTCGGTGTGGTTTCTGCTCTGAGAGAGGAGTTA[C>T]CTGGAAGAGCTCGATCCTCTGCTCATTCCGCTTAGAGCTGGGGTTGGGCACCCGCAAGAC-3'

ClinVar aggregate classification (germline): Pathogenic (1 of 4 stars; one submission).

Conditions:
Rienhoff syndrome. Also called: LOEYS-DIETZ SYNDROME 5. Identifiers: MedGen C3810012, MONDO:0014262, OMIM 615582.

Submission:

3billion
Classification: Pathogenic for Rienhoff syndrome. Last evaluated: 2023-06-30. Review status: criteria provided, single submitter. Criteria: ACMG Guidelines, 2015. Collection method: clinical testing. Allele origin: germline. Affected: yes.
Comment: The variant is not observed in the gnomAD v2.1.1 dataset. Predicted Consequence/Location: Canonical splice site: predicted to alter splicing and result in a loss or disruption of normal protein function. Multiple pathogenic loss-of-function variants are reported downstream of the variant. The variant has been reported to be associated with TGFB3 related disorder (PMID: 31898322). Therefore, this variant is classified as Pathogenic according to the recommendation of ACMG/AMP guideline.

Literature cited by the submitters: PubMed 31898322.